The following is an entry in ClinVar:

NM_006206.6(PDGFRA):c.2959G>A (p.Ala987Thr)

Gene: PDGFRA (platelet derived growth factor receptor alpha; plus strand). Cytogenetic location: 4q12.
Variant type: single nucleotide variant.
Coding change: c.2959G>A on transcript NM_006206.6 (MANE Select); coding-DNA position 2959, G replaced by A.
Protein change: p.Ala987Thr; replaces alanine 987 with threonine.
Molecular consequence: missense variant.
Genome position (GRCh38, 1-based): chr4:54,290,391, G>A. VCF-style: chr4-54290391-G-A. GRCh37 (hg19) VCF-style: chr4-55156558-G-A.
Other names: c.3034G>A, p.Ala1012Thr (NM_001347828.2); c.2959G>A, p.Ala987Thr (NM_001347829.2); c.2998G>A, p.Ala1000Thr (NM_001347830.2); short protein forms A1012T, A987T, A1000T.
Identifiers: ClinVar variation 1798138 (VCV001798138.5), dbSNP rs1042833018, ClinGen allele CA96830135.
Genomic context (GRCh38, chr4:54,290,391, plus strand): 5'-CTGGACTTCCTGAAGAGTGACCATCCTGCTGTGGCACGCATGCGTGTGGACTCAGACAAT[G>A]CATACATTGGTGTCACCTACAAAAACGAGGAAGACAAGCTGAAGGACTGGGAGGGTGGTC-3'
Protein context (NP_006197.1, residues 977-997): VARMRVDSDN[Ala987Thr]YIGVTYKNEE

ClinVar aggregate classification (germline): Uncertain significance. Review status: criteria provided, multiple submitters, no conflicts (2 of 4 stars). 2 submissions from 2 submitters: Uncertain significance (2). Last evaluated 2025-03-19.

Conditions:
Hereditary cancer-predisposing syndrome. Also called: Neoplastic Syndromes, Hereditary; Hereditary neoplastic syndrome; Hereditary Cancer Syndrome; Tumor predisposition. Identifiers: Orphanet 140162, MedGen C0027672, MeSH D009386, MONDO:0015356.
Gastrointestinal stromal tumor. Also called: Gastrointestinal stromal tumor, somatic; Gastrointestinal stroma tumor. Identifiers: Orphanet 44890, MedGen C0238198, MeSH D046152, MONDO:0011719, OMIM 606764, HP:0100723.

gnomAD v4.1: 1 of 1,613,640 alleles (0.000062%); highest among the groups gnomAD compares: Non-Finnish European, 0.000085%; no homozygotes.

Submissions (2):

Labcorp Genetics (formerly Invitae), Labcorp
Classification: Uncertain significance for Gastrointestinal stromal tumor. Last evaluated: 2025-03-19. Review status: criteria provided, single submitter. Criteria: Invitae Variant Classification Sherloc (09022015). Collection method: clinical testing. Allele origin: germline.
Comment: This sequence change replaces alanine, which is neutral and non-polar, with threonine, which is neutral and polar, at codon 987 of the PDGFRA protein (p.Ala987Thr). This variant is not present in population databases (gnomAD no frequency). This variant has not been reported in the literature in individuals affected with PDGFRA-related conditions. ClinVar contains an entry for this variant (Variation ID: 1798138). Invitae Evidence Modeling of protein sequence and biophysical properties (such as structural, functional, and spatial information, amino acid conservation, physicochemical variation, residue mobility, and thermodynamic stability) indicates that this missense variant is not expected to disrupt PDGFRA protein function with a negative predictive value of 80%. In summary, the available evidence is currently insufficient to determine the role of this variant in disease. Therefore, it has been classified as a Variant of Uncertain Significance.

Ambry Genetics
Classification: Uncertain significance for Hereditary cancer-predisposing syndrome. Last evaluated: 2024-06-21. Review status: criteria provided, single submitter. Criteria: Ambry Variant Classification Scheme 2023. Collection method: clinical testing. Allele origin: germline.
Comment: The p.A987T variant (also known as c.2959G>A), located in coding exon 21 of the PDGFRA gene, results from a G to A substitution at nucleotide position 2959. The alanine at codon 987 is replaced by threonine, an amino acid with similar properties. This amino acid position is conserved. In addition, this alteration is predicted to be tolerated by in silico analysis. Since supporting evidence is limited at this time, the clinical significance of this alteration remains unclear.